The following is an entry in ClinVar:

NM_001001331.4(ATP2B2):c.2545T>C (p.Ser849Pro)

Gene: ATP2B2 (ATPase plasma membrane Ca2+ transporting 2; minus strand). Cytogenetic location: 3p25.3.
Variant type: single nucleotide variant.
Coding change: c.2545T>C on transcript NM_001001331.4 (MANE Select); coding-DNA position 2545, T replaced by C.
Protein change: p.Ser849Pro; replaces serine 849 with proline.
Molecular consequence: missense variant.
Genome position (GRCh38, 1-based): chr3:10,345,542, A>G on the plus strand (T>C on the coding strand, the complement: ATP2B2 is on the minus strand). VCF-style: chr3-10345542-A-G. GRCh37 (hg19) VCF-style: chr3-10387226-A-G.
Other names: c.2410T>C, p.Ser804Pro (NM_001330611.3, NM_001353564.1, NM_001363862.1 and 1 more transcripts); short protein forms S804P, S849P.
Identifiers: ClinVar variation 1723688 (VCV001723688.3), dbSNP rs2470170066, ClinGen allele CA351778564.

ClinVar aggregate classification (germline): Uncertain significance (1 of 4 stars; one submission).

Submission:

GeneDx
Classification: Uncertain significance. Last evaluated: 2024-04-30. Review status: criteria provided, single submitter. Criteria: GeneDx Variant Classification Process June 2021. Collection method: clinical testing. Allele origin: germline. Affected: yes.
Comment: In silico analysis supports that this missense variant has a deleterious effect on protein structure/function; Not observed at significant frequency in large population cohorts (gnomAD); Has not been previously published as pathogenic or benign to our knowledge